The following is an entry in ClinVar:

ClinVar aggregate classification (germline): Uncertain significance. Review status: criteria provided, multiple submitters, no conflicts (2 of 4 stars). 4 submissions from 4 submitters: Uncertain significance (4). Last evaluated 2025-06-26.

Conditions:
VPS13B-related disorder. Also called: VPS13B-related condition.
Inborn genetic diseases. Identifiers: MedGen C0950123, MeSH D030342.
Cohen syndrome (COH1). Also called: Cutis verticis gyrata, retinitis pigmentosa, and sensorineural deafness; PEPPER SYNDROME. Identifiers: Orphanet 193, MedGen C0265223, MONDO:0008999, OMIM 216550.

Allele frequency attached by ClinVar (database versions not stated): gnomAD exomes below 0.00001 and 0.00001; TOPMed 0.00002; gnomAD 0.00003.
gnomAD v4.1: 19 of 1,613,968 alleles (0.0012%); highest among the groups gnomAD compares: Non-Finnish European, 0.0015%; no homozygotes.

Submissions (4):

PreventionGenetics, part of Exact Sciences
Classification: Uncertain significance for VPS13B-related condition. Last evaluated: 2025-06-26. Review status: criteria provided, single submitter. Criteria: ACMG Guidelines, 2015. Collection method: clinical testing. Allele origin: germline.
Comment: The VPS13B c.6095T>G variant is predicted to result in the amino acid substitution p.Phe2032Cys. To our knowledge, this variant has not been reported in the literature. This variant is reported in 0.0016% of alleles in individuals of European (Non-Finnish) descent in gnomAD. At this time, the clinical significance of this variant is uncertain due to the absence of conclusive functional and genetic evidence.

Ambry Genetics
Classification: Uncertain significance for Inborn genetic diseases. Last evaluated: 2024-09-25. Review status: criteria provided, single submitter. Criteria: Ambry Variant Classification Scheme 2023. Collection method: clinical testing. Allele origin: germline.

Labcorp Genetics (formerly Invitae), Labcorp
Classification: Uncertain significance for Cohen syndrome. Last evaluated: 2024-05-31. Review status: criteria provided, single submitter. Criteria: Invitae Variant Classification Sherloc (09022015). Collection method: clinical testing. Allele origin: germline.
Comment: This sequence change replaces phenylalanine, which is neutral and non-polar, with cysteine, which is neutral and slightly polar, at codon 2057 of the VPS13B protein (p.Phe2057Cys). This variant is present in population databases (no rsID available, gnomAD 0.002%). This variant has not been reported in the literature in individuals affected with VPS13B-related conditions. ClinVar contains an entry for this variant (Variation ID: 911514). Advanced modeling of protein sequence and biophysical properties (such as structural, functional, and spatial information, amino acid conservation, physicochemical variation, residue mobility, and thermodynamic stability) performed at Invitae indicates that this missense variant is not expected to disrupt VPS13B protein function with a negative predictive value of 80%. In summary, the available evidence is currently insufficient to determine the role of this variant in disease. Therefore, it has been classified as a Variant of Uncertain Significance.

Illumina Laboratory Services, Illumina
Classification: Uncertain significance for Cohen syndrome. Last evaluated: 2018-01-13. Review status: criteria provided, single submitter. Criteria: ICSL Variant Classification Criteria 13 December 2019. Collection method: clinical testing. Allele origin: germline.

NM_152564.5(VPS13B):c.6095T>G (p.Phe2032Cys)

Gene: VPS13B (vacuolar protein sorting 13 homolog B; plus strand). Cytogenetic location: 8q22.2.
Variant type: single nucleotide variant.
Coding change: c.6095T>G on transcript NM_152564.5 (MANE Select); coding-DNA position 6095, T replaced by G.
Protein change: p.Phe2032Cys; replaces phenylalanine 2032 with cysteine.
Molecular consequence: missense variant.
Genome position (GRCh38, 1-based): chr8:99,699,573, T>G. VCF-style: chr8-99699573-T-G. GRCh37 (hg19) VCF-style: chr8-100711801-T-G.
Other names: c.6170T>G, p.Phe2057Cys (NM_017890.5); c.6095T>G (NM_152564.4); c.6170T>G (NM_017890.3); short protein forms F2032C, F2057C.
Identifiers: ClinVar variation 911514 (VCV000911514.14), dbSNP rs1226670439, ClinGen allele CA371874013.